The following is an entry in ClinVar:

ClinVar aggregate classification (germline): Benign. Review status: reviewed by expert panel (3 of 4 stars). 8 submissions from 8 submitters: Benign (1). 7 of the submissions do not count toward it. Last evaluated 2025-05-19.

Conditions:
Juvenile retinoschisis (RS1). Also called: X-Linked Juvenile Retinoschisis; X-linked retinoschisis. Identifiers: Orphanet 792, MedGen C3714753, MONDO:0010725, OMIM 312700.

Allele frequency attached by ClinVar (database versions not stated): gnomAD 0.06459 and 0.06874; 1000 Genomes Project 0.07073; gnomAD exomes 0.01138 and 0.02399; ExAC 0.02791; 1000 Genomes Project 30x 0.07159; TOPMed 0.07483; ESP Exome Variant Server 0.08123.
gnomAD v4.1: 20,134 of 1,207,705 alleles (1.7%); highest among the groups gnomAD compares: African/African-American, 22%; 1,103 homozygotes.

Submissions (8):

ClinGen X-linked Inherited Retinal Disease Variant Curation Expert Panel, ClinGen
Classification: Benign for Juvenile retinoschisis. Last evaluated: 2025-05-19. Review status: reviewed by expert panel. Criteria: ClinGen X LinkedIRD ACMG Specifications RS1 V1.0.0. Collection method: curation. Allele origin: germline. Inheritance: X-linked inheritance.
Comment: The NM_000330.4(RS1):c.330T>C variant is a synonymous variant at amino acid 110. This variant is present in gnomAD v.4.1.0 at a frequency of 0.01431 among hemizygous individuals, with 5657 variant alleles / 395399 total hemizygous alleles, which is higher than the ClinGen X-linked IRD VCEP BA1 threshold of >0.0002 (BA1). The splicing impact predictor SpliceAI gives a delta score of 0.00 for all predictive splice changes, which is below the ClinGen X-linked IRD VCEP recommended threshold of <0.1 and does not strongly predict an impact on splicing (BP4). This silent variant c.330T>C causing a synonymous variant at codon 110 does not have an impact at splicing sites according to Splice AI, which predicts a delta score of 0.00 for all predictive splice changes which is below the ClinGen X-linked IRD VCEP recommended threshold of <0.1 and does not strongly predict an impact on splicing (BP7). In summary, this variant is classified as benign for X-linked retinoschisis based on the ClinGen X-linked Inherited Retinal Disease Expert Panel Specifications to the ACMG/AMP Variant Interpretation Guidelines for RS1 Version 1.0.0: BA1, BP4, and BP7 (date of approval 01/24/2025).

Labcorp Genetics (formerly Invitae), Labcorp
Classification: Benign. Last evaluated: 2026-02-04. Review status: criteria provided, single submitter. Criteria: Invitae Variant Classification Sherloc (09022015). Collection method: clinical testing. Allele origin: germline. Not counted in ClinVar's aggregate classification.

Women's Health and Genetics/Laboratory Corporation of America, LabCorp
Classification: Benign. Last evaluated: 2025-11-14. Review status: criteria provided, single submitter. Criteria: LabCorp Variant Classification Summary - May 2015. Collection method: clinical testing. Allele origin: germline. Not counted in ClinVar's aggregate classification.

Blueprint Genetics
Classification: Benign. Last evaluated: 2024-11-28. Review status: criteria provided, single submitter. Criteria: ACMG Guidelines, 2015. Collection method: clinical testing. Allele origin: germline. Not counted in ClinVar's aggregate classification.

GeneDx
Classification: Benign. Last evaluated: 2015-03-03. Review status: criteria provided, single submitter. Criteria: GeneDx Variant Classification Process June 2021. Collection method: clinical testing. Allele origin: germline. Affected: yes. Not counted in ClinVar's aggregate classification.

Breakthrough Genomics
Classification: Benign. Review status: criteria provided, single submitter. Criteria: ACMG Guidelines, 2015. Collection method: not provided. Allele origin: germline. Inheritance: X-linked inheritance. Affected: yes. Not counted in ClinVar's aggregate classification.

PreventionGenetics, part of Exact Sciences
Classification: Benign. Review status: criteria provided, single submitter. Criteria: ACMG Guidelines, 2015. Collection method: clinical testing. Allele origin: germline. Not counted in ClinVar's aggregate classification.

Retina International
No classification provided. Review status: no classification provided. Collection method: not provided. Allele origin: unknown. Not counted in ClinVar's aggregate classification.

NM_000330.4(RS1):c.330T>C (p.Cys110=)

Genes: CDKL5 (cyclin dependent kinase like 5; plus strand), RS1 (retinoschisin 1; minus strand). Cytogenetic location: Xp22.13.
Variant type: single nucleotide variant.
Coding change: c.330T>C on transcript NM_000330.4 (MANE Select); coding-DNA position 330, T replaced by C.
Protein change: p.Cys110=; no amino-acid change (cysteine 110 retained).
Molecular consequence: synonymous variant. On other transcripts: intron variant (2).
Genome position (GRCh38, 1-based): chrX:18,644,622, A>G on the plus strand (T>C on the coding strand, the complement: RS1 is on the minus strand). VCF-style: chrX-18644622-A-G. GRCh37 (hg19) VCF-style: chrX-18662742-A-G.
Other names: NM_000330.4(RS1):c.330T>C; p.Cys110=; c.2714-1385A>G (NM_003159.3, NM_001037343.2).
Identifiers: ClinVar variation 98940 (VCV000098940.18), dbSNP rs1801161, ClinGen allele CA226691.
Genomic context (GRCh38, chrX:18,644,622, plus strand): 5'-GATCTCCTTCAGATCTATCTGTAACCACTGGCTACTGTCCTGGAACTTGGAGAGCCAGGC[A>G]CACCTGCCGAGAACATACCGAGTCACCGAGAGACTCCCCCTGTGCATGTCTGCAAAAAGC-3'
Protein context (NP_000321.1, residues 100-120): KARLNSQGFG[Cys110=]AWLSKFQDSS